The following is an entry in ClinVar:

NM_032228.6(FAR1):c.1542A>G (p.Arg514=)

Gene: FAR1 (fatty acyl-CoA reductase 1; plus strand). Cytogenetic location: 11p15.3.
Variant type: single nucleotide variant.
Coding change: c.1542A>G on transcript NM_032228.6 (MANE Select); coding-DNA position 1542, A replaced by G.
Protein change: p.Arg514=; no amino-acid change (arginine 514 retained).
Molecular consequence: synonymous variant.
Genome position (GRCh38, 1-based): chr11:13,728,768, A>G. VCF-style: chr11-13728768-A-G. GRCh37 (hg19) VCF-style: chr11-13750315-A-G.
Identifiers: ClinVar variation 3665281 (VCV003665281.2).
Genomic context (GRCh38, chr11:13,728,768, plus strand): 5'-CTTTGTGGTTAGTCTGTGTTACAAGTTTTTGTCATACTTCCGAGCATCCAGCACTATGAG[A>G]TACTGAAGACCAAGGATTCAGCATTAGAACATCTATACATATGGTGATCTAAATGTACAA-3'
Protein context (NP_115604.1, residues 504-515): LSYFRASSTM[Arg514=]Y

ClinVar aggregate classification (germline): Uncertain significance (1 of 4 stars; one submission).

gnomAD v4.1: 3 of 1,610,954 alleles (0.00019%); highest among the groups gnomAD compares: Admixed American, 0.005%; no homozygotes.

Submission:

Labcorp Genetics (formerly Invitae), Labcorp
Classification: Uncertain significance. Last evaluated: 2025-05-13. Review status: criteria provided, single submitter. Criteria: Invitae Variant Classification Sherloc (09022015). Collection method: clinical testing. Allele origin: germline.
Comment: This sequence change affects codon 514 of the FAR1 mRNA. It is a 'silent' change, meaning that it does not change the encoded amino acid sequence of the FAR1 protein. This variant is present in population databases (rs759922153, gnomAD 0.003%). This variant has not been reported in the literature in individuals affected with FAR1-related conditions. ClinVar contains an entry for this variant (Variation ID: 3665281). Algorithms developed to predict the effect of sequence changes on RNA splicing suggest that this variant may create or strengthen a splice site. In summary, the available evidence is currently insufficient to determine the role of this variant in disease. Therefore, it has been classified as a Variant of Uncertain Significance.